The following is an entry in ClinVar:

NM_015450.3(POT1):c.649A>T (p.Thr217Ser)

Gene: POT1 (protection of telomeres 1; minus strand). Cytogenetic location: 7q31.33.
Variant type: single nucleotide variant.
Coding change: c.649A>T on transcript NM_015450.3 (MANE Select); coding-DNA position 649, A replaced by T.
Protein change: p.Thr217Ser; replaces threonine 217 with serine.
Molecular consequence: missense variant. On other transcripts: non-coding transcript variant (3).
Genome position (GRCh38, 1-based): chr7:124,859,010, T>A on the plus strand (A>T on the coding strand, the complement: POT1 is on the minus strand). VCF-style: chr7-124859010-T-A. GRCh37 (hg19) VCF-style: chr7-124499064-T-A.
Other names: c.256A>T, p.Thr86Ser (NM_001042594.2); short protein forms T217S, T86S.
Identifiers: ClinVar variation 1753864 (VCV001753864.2), dbSNP rs1795516265, ClinGen allele CA369056239.
Genomic context (GRCh38, chr7:124,859,010, plus strand): 5'-ACATCACCTTCAGAGATCTTGCCACATGAACATGGTTATCGTAGACTAAAATGTCTATTG[T>A]CAGATTTTGTAGCCGATGGATGTGACTTAAATCACCTTCAAGAACAAGGTCTTGTATTAA-3'
Protein context (NP_056265.2, residues 207-227): LSHIHRLQNL[Thr217Ser]IDILVYDNHV

ClinVar aggregate classification (germline): Uncertain significance (1 of 4 stars; one submission).

Conditions:
Hereditary cancer-predisposing syndrome. Also called: Neoplastic Syndromes, Hereditary; Tumor predisposition; Hereditary Cancer Syndrome; Hereditary neoplastic syndrome. Identifiers: Orphanet 140162, MedGen C0027672, MeSH D009386, MONDO:0015356.

Submission:

Ambry Genetics
Classification: Uncertain significance for Hereditary cancer-predisposing syndrome. Last evaluated: 2021-11-16. Review status: criteria provided, single submitter. Criteria: Ambry Variant Classification Scheme 2023. Collection method: clinical testing. Allele origin: germline.
Comment: The p.T217S variant (also known as c.649A>T), located in coding exon 5 of the POT1 gene, results from an A to T substitution at nucleotide position 649. The threonine at codon 217 is replaced by serine, an amino acid with similar properties. This amino acid position is not well conserved in available vertebrate species. In addition, this alteration is predicted to be tolerated by in silico analysis. Since supporting evidence is limited at this time, the clinical significance of this alteration remains unclear.